The following is an entry in ClinVar:

NM_018662.3(DISC1):c.2502G>A (p.Glu834=)

Genes: DISC1 (DISC1 scaffold protein; plus strand), TSNAX-DISC1 (TSNAX-DISC1 readthrough (NMD candidate); plus strand). Cytogenetic location: 1q42.2.
Variant type: single nucleotide variant.
Coding change: c.2502G>A on transcript NM_018662.3 (MANE Select); coding-DNA position 2502, G replaced by A.
Protein change: p.Glu834=; no amino-acid change (glutamic acid 834 retained).
Molecular consequence: synonymous variant. On other transcripts: non-coding transcript variant (1).
Genome position (GRCh38, 1-based): chr1:232,036,768, G>A. VCF-style: chr1-232036768-G-A. GRCh37 (hg19) VCF-style: chr1-232172514-G-A.
Other names: c.2436G>A, p.Glu812= (NM_001012957.2); c.2598G>A, p.Glu866= (NM_001164537.2); c.2136G>A, p.Glu712= (NM_001164540.2).
Identifiers: ClinVar variation 3042182 (VCV003042182.2), dbSNP rs41271517, ClinGen allele CA1454319.

ClinVar aggregate classification (germline): Likely benign (0 of 4 stars; one submission).

Conditions:
DISC1-related disorder. Also called: DISC1-related condition.

Allele frequency attached by ClinVar (database versions not stated): 1000 Genomes Project 30x 0.00016; 1000 Genomes Project 0.00020; gnomAD 0.00046; ExAC 0.00050; TOPMed 0.00051; ESP Exome Variant Server 0.00073; gnomAD exomes 0.00073.
gnomAD v4.1: 1,114 of 1,606,858 alleles (0.069%); highest among the groups gnomAD compares: Non-Finnish European, 0.088%; 1 homozygote.

Submission:

PreventionGenetics, part of Exact Sciences
Classification: Likely benign for DISC1-related condition. Last evaluated: 2019-02-19. Review status: no assertion criteria provided. Collection method: clinical testing. Allele origin: germline.
Comment: This variant is classified as likely benign based on ACMG/AMP sequence variant interpretation guidelines (Richards et al. 2015 PMID: 25741868, with internal and published modifications).